The following is an entry in ClinVar:

ClinVar aggregate classification (germline): Uncertain significance. Review status: criteria provided, multiple submitters, no conflicts (2 of 4 stars). 2 submissions from 2 submitters: Uncertain significance (2). Last evaluated 2026-03-30.

Conditions:
Mitral valve prolapse, myxomatous 2. Also called: Mitral valve prolapse 2; MMVP2. Identifiers: MedGen C1843003, MONDO:0011915, OMIM 607829.
Van Maldergem syndrome 1 (VMLDS1). Also called: Van Maldergem syndrome 1 (VMLDS1). Identifiers: Orphanet 314679, MedGen C4551950, MONDO:0011070, OMIM 601390.

gnomAD v4.1: 1 of 1,533,436 alleles (0.000065%); highest among the groups gnomAD compares: Non-Finnish European, 0.000088%; no homozygotes.

Submissions (2):

Clinical Genomics Laboratory, Washington University in St. Louis
Classification: Uncertain significance for Mitral valve prolapse, myxomatous 2; Van Maldergem syndrome 1. Last evaluated: 2026-03-30. Review status: criteria provided, single submitter. Criteria: ACMG Guidelines, 2015. Collection method: clinical testing. Allele origin: germline.
Comment: A DCHS1 c.3973G>T (p.Ala1325Ser) variant was identified at a heterozygous allelic fraction of 50.1%, a frequency which may be consistent with it being of germline origin. The DCHS1 c.3973G>T (p.Ala1325Ser) variant, to our knowledge, has not been reported in the medical literature. This variant is only observed on 1/1,533,436 alleles in the general population (gnomAD v4.1.0), indicating it is not a common variant. Computational predictors suggest that the variant does not impact DCHS1 function. Due to limited information, and based on ACMG/AMP guidelines for variant interpretation (Richards S et al., PMID: 25741868), the clinical significance of this variant is uncertain at this time.

Labcorp Genetics (formerly Invitae), Labcorp
Classification: Uncertain significance. Last evaluated: 2025-10-21. Review status: criteria provided, single submitter. Criteria: Invitae Variant Classification Sherloc (09022015). Collection method: clinical testing. Allele origin: germline.
Comment: This sequence change replaces alanine, which is neutral and non-polar, with serine, which is neutral and polar, at codon 1325 of the DCHS1 protein (p.Ala1325Ser). This variant is not present in population databases (gnomAD no frequency). This variant has not been reported in the literature in individuals affected with DCHS1-related conditions. An algorithm developed to predict the effect of missense changes on protein structure and function outputs the following: PolyPhen-2: "Benign". The serine amino acid residue is found in multiple mammalian species, which suggests that this missense change does not adversely affect protein function. In summary, the available evidence is currently insufficient to determine the role of this variant in disease. Therefore, it has been classified as a Variant of Uncertain Significance.

Literature cited by the submitters: uncertain (cited by Clinical Genomics Laboratory, Washington University in St. Louis).

NM_003737.4(DCHS1):c.3973G>T (p.Ala1325Ser)

Gene: DCHS1 (dachsous cadherin-related 1; minus strand). Cytogenetic location: 11p15.4.
Variant type: single nucleotide variant.
Coding change: c.3973G>T on transcript NM_003737.4 (MANE Select); coding-DNA position 3973, G replaced by T.
Protein change: p.Ala1325Ser; replaces alanine 1325 with serine.
Molecular consequence: missense variant.
Genome position (GRCh38, 1-based): chr11:6,630,821, C>A on the plus strand (G>T on the coding strand, the complement: DCHS1 is on the minus strand). VCF-style: chr11-6630821-C-A. GRCh37 (hg19) VCF-style: chr11-6652052-C-A.
Other names: short protein forms A1325S.
Identifiers: ClinVar variation 4703922 (VCV004703922.2).